The following is an entry in ClinVar:

NM_004446.3(EPRS1):c.3853A>G (p.Met1285Val)

Gene: EPRS1 (glutamyl-prolyl-tRNA synthetase 1; minus strand). Cytogenetic location: 1q41.
Variant type: single nucleotide variant.
Coding change: c.3853A>G on transcript NM_004446.3 (MANE Select); coding-DNA position 3853, A replaced by G.
Protein change: p.Met1285Val; replaces methionine 1285 with valine.
Molecular consequence: missense variant.
Genome position (GRCh38, 1-based): chr1:219,979,474, T>C on the plus strand (A>G on the coding strand, the complement: EPRS1 is on the minus strand). VCF-style: chr1-219979474-T-C. GRCh37 (hg19) VCF-style: chr1-220152816-T-C.
Other names: short protein forms M1285V.
Identifiers: ClinVar variation 2130600 (VCV002130600.4), dbSNP rs2527961264, ClinGen allele CA344631870.

ClinVar aggregate classification (germline): Uncertain significance (1 of 4 stars; one submission).

Allele frequency attached by ClinVar (database versions not stated): gnomAD exomes below 0.00001.

Submission:

Labcorp Genetics (formerly Invitae), Labcorp
Classification: Uncertain significance. Last evaluated: 2025-06-20. Review status: criteria provided, single submitter. Criteria: Invitae Variant Classification Sherloc (09022015). Collection method: clinical testing. Allele origin: germline.
Comment: This sequence change replaces methionine, which is neutral and non-polar, with valine, which is neutral and non-polar, at codon 1285 of the EPRS protein (p.Met1285Val). This variant is not present in population databases (gnomAD no frequency). This variant has not been reported in the literature in individuals affected with EPRS-related conditions. ClinVar contains an entry for this variant (Variation ID: 2130600). An algorithm developed to predict the effect of missense changes on protein structure and function (PolyPhen-2) suggests that this variant is likely to be disruptive. In summary, the available evidence is currently insufficient to determine the role of this variant in disease. Therefore, it has been classified as a Variant of Uncertain Significance.